The following is an entry in ClinVar:

ClinVar aggregate classification (germline): Uncertain significance (1 of 4 stars; one submission).

Conditions:
Mosaic variegated aneuploidy syndrome 2 (MVA2). Identifiers: Orphanet 1052, MedGen C3279843, MONDO:0013582, OMIM 614114.

Allele frequency attached by ClinVar (database versions not stated): gnomAD exomes below 0.00001.

Submission:

Labcorp Genetics (formerly Invitae), Labcorp
Classification: Uncertain significance for Mosaic variegated aneuploidy syndrome 2. Last evaluated: 2022-08-21. Review status: criteria provided, single submitter. Criteria: Invitae Variant Classification Sherloc (09022015). Collection method: clinical testing. Allele origin: germline.
Comment: In summary, the available evidence is currently insufficient to determine the role of this variant in disease. Therefore, it has been classified as a Variant of Uncertain Significance. Variants that disrupt the consensus splice site are a relatively common cause of aberrant splicing (PMID: 17576681, 9536098). Algorithms developed to predict the effect of sequence changes on RNA splicing suggest that this variant is not likely to affect RNA splicing. This variant has not been reported in the literature in individuals affected with CEP57-related conditions. This variant is not present in population databases (gnomAD no frequency). This sequence change falls in intron 4 of the CEP57 gene. It does not directly change the encoded amino acid sequence of the CEP57 protein. It affects a nucleotide within the consensus splice site.

Literature cited by the submitters: PubMed 17576681; PubMed 9536098.

NM_014679.5(CEP57):c.504+6T>G

Gene: CEP57 (centrosomal protein 57; plus strand). Cytogenetic location: 11q21.
Variant type: single nucleotide variant.
Coding change: c.504+6T>G on transcript NM_014679.5 (MANE Select); 6 bases into the intron after coding-DNA position 504, T replaced by G.
Molecular consequence: intron variant.
Genome position (GRCh38, 1-based): chr11:95,813,595, T>G. VCF-style: chr11-95813595-T-G. GRCh37 (hg19) VCF-style: chr11-95546759-T-G.
Other names: c.423+6T>G (NM_001363604.2); c.477+6T>G (NM_001243776.2); c.504+6T>G (NM_001243777.2).
Identifiers: ClinVar variation 2025435 (VCV002025435.4), dbSNP rs2496227523, ClinGen allele CA2580085078.